The following is an entry in ClinVar:

NM_002241.5(KCNJ10):c.430A>G (p.Ile144Val)

Gene: KCNJ10 (potassium inwardly rectifying channel subfamily J member 10; minus strand). Cytogenetic location: 1q23.2.
Variant type: single nucleotide variant.
Coding change: c.430A>G on transcript NM_002241.5 (MANE Select); coding-DNA position 430, A replaced by G.
Protein change: p.Ile144Val; replaces isoleucine 144 with valine.
Molecular consequence: missense variant.
Genome position (GRCh38, 1-based): chr1:160,042,103, T>C on the plus strand (A>G on the coding strand, the complement: KCNJ10 is on the minus strand). VCF-style: chr1-160042103-T-C. GRCh37 (hg19) VCF-style: chr1-160011893-T-C.
Other names: short protein forms I144V.
Identifiers: ClinVar variation 944501 (VCV000944501.10), dbSNP rs997287643, ClinGen allele CA31470975.

ClinVar aggregate classification (germline): Uncertain significance (1 of 4 stars; one submission).

Conditions:
EAST syndrome (SESAMES). Also called: SEIZURES, SENSORINEURAL DEAFNESS, ATAXIA, IMPAIRED INTELLECTUAL DEVELOPMENT, AND ELECTROLYTE IMBALANCE. Identifiers: Orphanet 199343, MedGen C2748572, MONDO:0013005, OMIM 612780.

Allele frequency attached by ClinVar (database versions not stated): gnomAD exomes below 0.00001 and 0.00001; gnomAD 0.00001.
gnomAD v4.1: 6 of 1,553,374 alleles (0.00039%); highest among the groups gnomAD compares: Non-Finnish European, 0.00052%; no homozygotes.

Submission:

Labcorp Genetics (formerly Invitae), Labcorp
Classification: Uncertain significance for EAST syndrome. Last evaluated: 2024-08-31. Review status: criteria provided, single submitter. Criteria: Invitae Variant Classification Sherloc (09022015). Collection method: clinical testing. Allele origin: germline.
Comment: This sequence change replaces isoleucine, which is neutral and non-polar, with valine, which is neutral and non-polar, at codon 144 of the KCNJ10 protein (p.Ile144Val). This variant is present in population databases (no rsID available, gnomAD 0.001%). This variant has not been reported in the literature in individuals affected with KCNJ10-related conditions. ClinVar contains an entry for this variant (Variation ID: 944501). Invitae Evidence Modeling of protein sequence and biophysical properties (such as structural, functional, and spatial information, amino acid conservation, physicochemical variation, residue mobility, and thermodynamic stability) indicates that this missense variant is not expected to disrupt KCNJ10 protein function with a negative predictive value of 80%. In summary, the available evidence is currently insufficient to determine the role of this variant in disease. Therefore, it has been classified as a Variant of Uncertain Significance.